The following is an entry in ClinVar:

NM_182943.3(PLOD2):c.764A>T (p.Asn255Ile)

Gene: PLOD2 (procollagen-lysine,2-oxoglutarate 5-dioxygenase 2; minus strand). Cytogenetic location: 3q24.
Variant type: single nucleotide variant.
Coding change: c.764A>T on transcript NM_182943.3 (MANE Select); coding-DNA position 764, A replaced by T.
Protein change: p.Asn255Ile; replaces asparagine 255 with isoleucine.
Molecular consequence: missense variant.
Genome position (GRCh38, 1-based): chr3:146,102,768, T>A on the plus strand (A>T on the coding strand, the complement: PLOD2 is on the minus strand). VCF-style: chr3-146102768-T-A. GRCh37 (hg19) VCF-style: chr3-145820555-T-A.
Other names: c.764A>T, p.Asn255Ile (NM_000935.3); short protein forms N255I.
Identifiers: ClinVar variation 1704890 (VCV001704890.8), dbSNP rs768670233, ClinGen allele CA2655142.

ClinVar aggregate classification (germline): Uncertain significance. Review status: criteria provided, multiple submitters, no conflicts (2 of 4 stars). 4 submissions from 4 submitters: Uncertain significance (4). Last evaluated 2025-05-07.

Conditions:
Inborn genetic diseases. Identifiers: MedGen C0950123, MeSH D030342.

Allele frequency attached by ClinVar (database versions not stated): ExAC 0.00001; gnomAD 0.00001; gnomAD exomes 0.00001; TOPMed 0.00002.
gnomAD v4.1: 20 of 1,575,086 alleles (0.0013%); highest among the groups gnomAD compares: Admixed American, 0.0033%; no homozygotes.

Submissions (4):

Ambry Genetics
Classification: Uncertain significance for Inborn genetic diseases. Last evaluated: 2025-05-07. Review status: criteria provided, single submitter. Criteria: Ambry Variant Classification Scheme 2023. Collection method: clinical testing. Allele origin: germline.

Labcorp Genetics (formerly Invitae), Labcorp
Classification: Uncertain significance. Last evaluated: 2024-08-12. Review status: criteria provided, single submitter. Criteria: Invitae Variant Classification Sherloc (09022015). Collection method: clinical testing. Allele origin: germline.
Comment: This sequence change replaces asparagine, which is neutral and polar, with isoleucine, which is neutral and non-polar, at codon 255 of the PLOD2 protein (p.Asn255Ile). This variant is present in population databases (rs768670233, gnomAD 0.002%). This variant has not been reported in the literature in individuals affected with PLOD2-related conditions. ClinVar contains an entry for this variant (Variation ID: 1704890). Advanced modeling of protein sequence and biophysical properties (such as structural, functional, and spatial information, amino acid conservation, physicochemical variation, residue mobility, and thermodynamic stability) performed at Invitae indicates that this missense variant is expected to disrupt PLOD2 protein function with a positive predictive value of 80%. In summary, the available evidence is currently insufficient to determine the role of this variant in disease. Therefore, it has been classified as a Variant of Uncertain Significance.

Blueprint Genetics
Classification: Uncertain significance. Last evaluated: 2024-01-19. Review status: criteria provided, single submitter. Criteria: ACMG Guidelines, 2015. Collection method: clinical testing. Allele origin: germline.

GeneDx
Classification: Uncertain significance. Last evaluated: 2022-03-10. Review status: criteria provided, single submitter. Criteria: GeneDx Variant Classification Process June 2021. Collection method: clinical testing. Allele origin: germline. Affected: yes.
Comment: Not observed at significant frequency in large population cohorts (gnomAD); In silico analysis supports that this missense variant has a deleterious effect on protein structure/function; Has not been previously published as pathogenic or benign to our knowledge